The following is an entry in ClinVar:

ClinVar aggregate classification (germline): Uncertain significance (1 of 4 stars; one submission).

Allele frequency attached by ClinVar (database versions not stated): gnomAD exomes 0.00001; TOPMed 0.00001; ExAC 0.00002.
gnomAD v4.1: 7 of 1,613,980 alleles (0.00043%); highest among the groups gnomAD compares: Non-Finnish European, 0.00051%; no homozygotes.

Submission:

GeneDx
Classification: Uncertain significance. Last evaluated: 2022-11-15. Review status: criteria provided, single submitter. Criteria: GeneDx Variant Classification Process June 2021. Collection method: clinical testing. Allele origin: germline. Affected: yes.
Comment: Not observed at significant frequency in large population cohorts (gnomAD); In silico analysis supports that this missense variant has a deleterious effect on protein structure/function; Has not been previously published as pathogenic or benign to our knowledge

NM_004100.5(EYA4):c.1423G>T (p.Val475Phe)

Genes: EYA4 (EYA transcriptional coactivator and phosphatase 4; plus strand), TARID (TCF21 antisense RNA inducing promoter demethylation; minus strand). Cytogenetic location: 6q23.2.
Variant type: single nucleotide variant.
Coding change: c.1423G>T on transcript NM_004100.5 (MANE Select); coding-DNA position 1423, G replaced by T.
Protein change: p.Val475Phe; replaces valine 475 with phenylalanine.
Molecular consequence: missense variant.
Genome position (GRCh38, 1-based): chr6:133,512,960, G>T. VCF-style: chr6-133512960-G-T. GRCh37 (hg19) VCF-style: chr6-133834098-G-T.
Other names: c.1261G>T, p.Val421Phe (NM_001301012.2); c.1441G>T, p.Val481Phe (NM_001301013.2); c.1354G>T, p.Val452Phe (NM_001370458.1, NM_172103.4); c.1279G>T, p.Val427Phe (NM_001370459.1); c.1423G>T, p.Val475Phe (NM_172105.4); short protein forms V421F, V427F, V452F, V475F, V481F.
Identifiers: ClinVar variation 2502098 (VCV002502098.1), dbSNP rs756139259, ClinGen allele CA4008359.